The following is an entry in ClinVar:

NM_003403.5(YY1):c.625C>T (p.Gln209Ter)

Gene: YY1 (YY1 transcription factor; plus strand). Cytogenetic location: 14q32.2.
Variant type: single nucleotide variant.
Coding change: c.625C>T on transcript NM_003403.5 (MANE Select); coding-DNA position 625, C replaced by T.
Protein change: p.Gln209Ter; replaces glutamine 209 with a stop codon.
Molecular consequence: nonsense.
Genome position (GRCh38, 1-based): chr14:100,239,869, C>T. VCF-style: chr14-100239869-C-T. GRCh37 (hg19) VCF-style: chr14-100706206-C-T.
Other names: short protein forms Q209*.
Identifiers: ClinVar variation 4976500 (VCV004976500.1).
Genomic context (GRCh38, chr14:100,239,869, plus strand): 5'-GGGGCCGGCGCGGCGGGCGGCGGCGGCGCCGACCCGGGCAACAAGAAGTGGGAGCAGAAG[C>T]AGGTGCAGATCAAGACCCTGGAGGGCGAGTTCTCGGTCACCATGTGGTCCTCAGGTGAGC-3'

ClinVar aggregate classification (germline): Pathogenic (1 of 4 stars; one submission).

Submission:

GeneDx
Classification: Pathogenic. Last evaluated: 2026-02-10. Review status: criteria provided, single submitter. Criteria: GeneDx Variant Classification Process June 2021. Collection method: clinical testing. Allele origin: germline.
Comment: Nonsense variant predicted to result in protein truncation or nonsense mediated decay in a gene for which loss of function is a known mechanism of disease; Not observed at significant frequency in large population cohorts (gnomAD); This variant is associated with the following publications: (PMID: 37690905)